The following is an entry in ClinVar:

ClinVar aggregate classification (germline): Uncertain significance (1 of 4 stars; one submission).

Conditions:
Hereditary sensory and autonomic neuropathy with spastic paraplegia (HSNSP). Identifiers: Orphanet 139578, MedGen C1850395, MONDO:0009748, OMIM 256840.

Allele frequency attached by ClinVar (database versions not stated): gnomAD exomes below 0.00001; TOPMed 0.00001; ESP Exome Variant Server 0.00008.

Submission:

Labcorp Genetics (formerly Invitae), Labcorp
Classification: Uncertain significance for Hereditary sensory and autonomic neuropathy with spastic paraplegia. Last evaluated: 2020-01-19. Review status: criteria provided, single submitter. Criteria: Invitae Variant Classification Sherloc (09022015). Collection method: clinical testing. Allele origin: germline.
Comment: This sequence change replaces glutamine with lysine at codon 360 of the CCT5 protein (p.Gln360Lys). The glutamine residue is weakly conserved and there is a small physicochemical difference between glutamine and lysine. This variant is not present in population databases (ExAC no frequency). This variant has not been reported in the literature in individuals with CCT5-related conditions. Algorithms developed to predict the effect of missense changes on protein structure and function output the following: SIFT: "Tolerated"; PolyPhen-2: "Benign"; Align-GVGD: "Class C0". The lysine amino acid residue is found in multiple mammalian species, suggesting that this missense change does not adversely affect protein function. These predictions have not been confirmed by published functional studies and their clinical significance is uncertain. In summary, the available evidence is currently insufficient to determine the role of this variant in disease. Therefore, it has been classified as a Variant of Uncertain Significance.

NM_012073.5(CCT5):c.1078C>A (p.Gln360Lys)

Gene: CCT5 (chaperonin containing TCP1 subunit 5; plus strand). Cytogenetic location: 5p15.2.
Variant type: single nucleotide variant.
Coding change: c.1078C>A on transcript NM_012073.5 (MANE Select); coding-DNA position 1078, C replaced by A.
Protein change: p.Gln360Lys; replaces glutamine 360 with lysine.
Molecular consequence: missense variant.
Genome position (GRCh38, 1-based): chr5:10,261,644, C>A. VCF-style: chr5-10261644-C-A. GRCh37 (hg19) VCF-style: chr5-10261756-C-A.
Other names: c.1015C>A, p.Gln339Lys (NM_001306153.1); c.913C>A, p.Gln305Lys (NM_001306154.2); c.799C>A, p.Gln267Lys (NM_001306155.2); c.964C>A, p.Gln322Lys (NM_001306156.2); short protein forms Q305K, Q360K, Q267K, Q322K, Q339K.
Identifiers: ClinVar variation 1046675 (VCV001046675.9), dbSNP rs368250896, ClinGen allele CA113884375.
Genomic context (GRCh38, chr5:10,261,644, plus strand): 5'-CGGATCGTCCCCAGGTTCTCAGAGCTCACAGCCGAGAAGCTGGGCTTTGCTGGTCTTGTA[C>A]AGGAGATCTCATTTGGGACAACTAAGGATAAAATGCTGGTCATCGAGCAGTGTAAGAACT-3'
Protein context (NP_036205.1, residues 350-370): AEKLGFAGLV[Gln360Lys]EISFGTTKDK